The following is an entry in ClinVar:

ClinVar aggregate classification (germline): Likely pathogenic. Review status: reviewed by expert panel (3 of 4 stars). 2 submissions from 2 submitters: Likely pathogenic (1). 1 of the submissions does not count toward it. Last evaluated 2023-06-15.

Conditions:
Marfan syndrome (MFS). Also called: Marfan syndrome, classic; Marfan syndrome type 1; Marfan's syndrome; MARFAN SYNDROME, TYPE I; FBN1-Related Marfan Syndrome. Identifiers: Orphanet 284963, Orphanet 558, MedGen C0024796, MONDO:0007947, OMIM 154700.
Familial thoracic aortic aneurysm and aortic dissection (TAAD). Also called: Thoracic aortic aneurysms and dissections. Identifiers: Orphanet 91387, MedGen C4707243, MONDO:0019625.

Submissions (2):

ClinGen FBN1 Variant Curation Expert Panel, ClinGen
Classification: Likely pathogenic for Marfan syndrome. Last evaluated: 2023-06-15. Review status: reviewed by expert panel. Criteria: Assertion Criteria VCEP FBN1 Version 1. Collection method: curation. Allele origin: germline. Inheritance: Autosomal dominant inheritance.
Comment: The NM_000138.5 c.4583-5A>G variant in FBN1 is a variant in the splice acceptor region of intron 37. Computational splice prediction algorithms predict that this variant impacts splicing (PP3). This variant was identified in the literature and public databases in two individuals with clinical diagnoses of Marfan syndrome including once as de novo in an individual with phenotype consistent with but not highly specific to FBN1 and in an individual with aortic aneurysm and other features suggestive of Marfan syndrome; it was also found to segregate with disease in at least one affected family member (PS4_moderate, PM6_supporting; PMID: 25101912, Invitae internal data, ClinVar ID: 406332). It was also identified in a third individual with a clinical diagnosis of Marfan syndrome (PP4; Johns Hopkins). This variant is not present in gnomAD v2.1.1 or v3.1.2 (PM2_supporting). In summary, this variant meets criteria to be classified as likely pathogenic for Marfan syndrome based on the ACMG/AMP criteria applied, as specified by the ClinGen FBN1 VCEP (PS4_moderate, PM2_supporting, PM6_supporting, PP3, PP4).

Labcorp Genetics (formerly Invitae), Labcorp
Classification: Pathogenic for Marfan syndrome; Familial thoracic aortic aneurysm and aortic dissection. Last evaluated: 2025-09-02. Review status: criteria provided, single submitter. Criteria: Invitae Variant Classification Sherloc (09022015). Collection method: clinical testing. Allele origin: germline. Not counted in ClinVar's aggregate classification.
Comment: This sequence change falls in intron 37 of the FBN1 gene. It does not directly change the encoded amino acid sequence of the FBN1 protein. This variant is not present in population databases (gnomAD no frequency). This variant has been observed in individual(s) with Marfan syndrome (PMID: 25101912; internal data). In at least one individual the variant was observed to be de novo. ClinVar contains an entry for this variant (Variation ID: 406332). Algorithms developed to predict the effect of sequence changes on RNA splicing suggest that this variant may disrupt the consensus splice site. For these reasons, this variant has been classified as Pathogenic.

Literature cited by the submitters: PubMed 25101912 (cited by Labcorp Genetics (formerly Invitae), Labcorp).

NM_000138.5(FBN1):c.4583-5A>G

Gene: FBN1 (fibrillin 1; minus strand). Cytogenetic location: 15q21.1.
Variant type: single nucleotide variant.
Coding change: c.4583-5A>G on transcript NM_000138.5 (MANE Select); 5 bases into the intron before coding-DNA position 4583, A replaced by G.
Molecular consequence: intron variant.
Genome position (GRCh38, 1-based): chr15:48,468,107, T>C on the plus strand (A>G on the coding strand, the complement: FBN1 is on the minus strand). VCF-style: chr15-48468107-T-C. GRCh37 (hg19) VCF-style: chr15-48760304-T-C.
Identifiers: ClinVar variation 406332 (VCV000406332.9), dbSNP rs778966916, ClinGen allele CA16614422.